The following is an entry in ClinVar:

ClinVar aggregate classification (germline): Likely benign. Review status: criteria provided, multiple submitters, no conflicts (2 of 4 stars). 4 submissions from 4 submitters: Likely benign (4). Last evaluated 2025-12-18.

Conditions:
DNAH5-related disorder. Also called: DNAH5-related condition.
Primary ciliary dyskinesia. Also called: Ciliary dyskinesia. Identifiers: Orphanet 244, MedGen C0008780, MONDO:0016575, HP:0012265.

Allele frequency attached by ClinVar (database versions not stated): gnomAD exomes 0.00005 and 0.00016; ExAC 0.00025; 1000 Genomes Project 30x 0.00047; 1000 Genomes Project 0.00060; gnomAD 0.00084 and 0.00086; ESP Exome Variant Server 0.00085; TOPMed 0.00091.
gnomAD v4.1: 220 of 1,614,188 alleles (0.014%); highest among the groups gnomAD compares: African/African-American, 0.26%; 1 homozygote.

Submissions (4):

Labcorp Genetics (formerly Invitae), Labcorp
Classification: Likely benign for Primary ciliary dyskinesia. Last evaluated: 2025-12-18. Review status: criteria provided, single submitter. Criteria: Invitae Variant Classification Sherloc (09022015). Collection method: clinical testing. Allele origin: germline.

PreventionGenetics, part of Exact Sciences
Classification: Likely benign for DNAH5-related condition. Last evaluated: 2025-12-01. Review status: criteria provided, single submitter. Criteria: ACMG Guidelines, 2015. Collection method: clinical testing. Allele origin: germline.
Comment: This variant is classified as likely benign based on ACMG/AMP sequence variant interpretation guidelines (Richards et al. 2015 PMID: 25741868, with internal and published modifications).

Blueprint Genetics
Classification: Likely benign. Last evaluated: 2023-11-20. Review status: criteria provided, single submitter. Criteria: ACMG Guidelines, 2015. Collection method: clinical testing. Allele origin: germline.

Ambry Genetics
Classification: Likely benign for Primary ciliary dyskinesia. Last evaluated: 2021-12-02. Review status: criteria provided, single submitter. Criteria: Ambry Variant Classification Scheme 2023. Collection method: clinical testing. Allele origin: germline.

NM_001369.3(DNAH5):c.12349A>G (p.Ile4117Val)

Gene: DNAH5 (dynein axonemal heavy chain 5; minus strand). Cytogenetic location: 5p15.2.
Variant type: single nucleotide variant.
Coding change: c.12349A>G on transcript NM_001369.3 (MANE Select); coding-DNA position 12349, A replaced by G.
Protein change: p.Ile4117Val; replaces isoleucine 4117 with valine.
Molecular consequence: missense variant.
Genome position (GRCh38, 1-based): chr5:13,719,032, T>C on the plus strand (A>G on the coding strand, the complement: DNAH5 is on the minus strand). VCF-style: chr5-13719032-T-C. GRCh37 (hg19) VCF-style: chr5-13719141-T-C.
Other names: short protein forms I4117V.
Identifiers: ClinVar variation 414351 (VCV000414351.16), dbSNP rs145501076, ClinGen allele CA3201664.
Genomic context (GRCh38, chr5:13,719,032, plus strand): 5'-GCTTATGAGCCTCGGTGGTCATCCAGAGGCGGAACGCATCATGTACAAGCTCAGTTTCTA[T>C]GATTATGTCCATCAGCTCATCCATGAAATCAAGTCCCAGATGGCAGTTCTGCAGAAGTGC-3'
Protein context (NP_001360.1, residues 4107-4127): DFMDELMDII[Ile4117Val]ETELVHDAFR